The following is an entry in ClinVar:

ClinVar aggregate classification (germline): Conflicting classifications of pathogenicity. Review status: criteria provided, conflicting classifications (1 of 4 stars). 8 submissions from 8 submitters: Uncertain significance (7); Likely benign (1). Last evaluated 2026-01-27.

Conditions:
Arrhythmogenic right ventricular dysplasia 5. Also called: Arrhythmogenic Right Ventricular Dysplasia/Cardiomyopathy 5; ARRHYTHMOGENIC RIGHT VENTRICULAR DYSPLASIA, FAMILIAL, 5. Identifiers: MedGen C1858379, MONDO:0011459, OMIM 604400.
Auditory neuropathy, autosomal dominant 3 (AUNA3). Identifiers: MedGen C5676964, MONDO:0859235, OMIM 619832.
Emery-Dreifuss muscular dystrophy 7, autosomal dominant (EDMD7). Also called: Emery-Dreifuss muscular dystrophy 7, AD. Identifiers: Orphanet 261, MedGen C3553060, MONDO:0013677, OMIM 614302.
Cardiovascular phenotype. Identifiers: MedGen CN230736.

Allele frequency attached by ClinVar (database versions not stated): gnomAD exomes 0.00001; gnomAD 0.00002; TOPMed 0.00002.
gnomAD v4.1: 13 of 1,614,052 alleles (0.00081%); highest among the groups gnomAD compares: Admixed American, 0.0033%; no homozygotes.

Submissions (8):

Labcorp Genetics (formerly Invitae), Labcorp
Classification: Uncertain significance for Arrhythmogenic right ventricular dysplasia 5. Last evaluated: 2026-01-27. Review status: criteria provided, single submitter. Criteria: Invitae Variant Classification Sherloc (09022015). Collection method: clinical testing. Allele origin: germline.
Comment: This sequence change replaces serine, which is neutral and polar, with alanine, which is neutral and non-polar, at codon 209 of the TMEM43 protein (p.Ser209Ala). This variant is not present in population databases (gnomAD no frequency). This missense change has been observed in individual(s) with dilated cardiomyopathy (PMID: 24503780, 27532257). ClinVar contains an entry for this variant (Variation ID: 46151). Invitae Evidence Modeling of protein sequence and biophysical properties (such as structural, functional, and spatial information, amino acid conservation, physicochemical variation, residue mobility, and thermodynamic stability) indicates that this missense variant is not expected to disrupt TMEM43 protein function with a negative predictive value of 80%. In summary, the available evidence is currently insufficient to determine the role of this variant in disease. Therefore, it has been classified as a Variant of Uncertain Significance.

Ambry Genetics
Classification: Likely benign for Cardiovascular phenotype. Last evaluated: 2025-11-17. Review status: criteria provided, single submitter. Criteria: Ambry Variant Classification Scheme 2023. Collection method: clinical testing. Allele origin: germline.

All of Us Research Program, National Institutes of Health
Classification: Uncertain significance for Arrhythmogenic right ventricular dysplasia 5. Last evaluated: 2024-04-16. Review status: criteria provided, single submitter. Criteria: ACMG Guidelines, 2015. Collection method: clinical testing. Allele origin: germline. Inheritance: Autosomal dominant inheritance. Observed: 1 variant allele, 1 heterozygote.
Comment: This missense variant replaces serine with alanine at codon 209 of the TMEM43 protein. Computational prediction suggests that this variant may not impact protein structure and function (internally defined REVEL score threshold <= 0.5, PMID: 27666373). To our knowledge, functional studies have not been reported for this variant. This variant has been reported in an individual affected with dilated cardiomyopathy (PMID: 24503780). This variant has not been identified in the general population by the Genome Aggregation Database (gnomAD). The available evidence is insufficient to determine the role of this variant in disease conclusively. Therefore, this variant is classified as a Variant of Uncertain Significance.

This study involves interpretation of variants in research participants for the purpose of population health screening. Participant phenotype was not available at the time of variant classification. Additional details can be found in publication PMID: 35346344, PMCID: PMC8962531

Mayo Clinic Laboratories, Mayo Clinic
Classification: Uncertain significance. Last evaluated: 2023-07-11. Review status: criteria provided, single submitter. Criteria: ACMG Guidelines, 2015. Collection method: clinical testing. Allele origin: germline. Observed: 1 variant allele.
Comment: BP4, PM2_moderate

Women's Health and Genetics/Laboratory Corporation of America, LabCorp
Classification: Uncertain significance. Last evaluated: 2022-08-08. Review status: criteria provided, single submitter. Criteria: LabCorp Variant Classification Summary - May 2015. Collection method: clinical testing. Allele origin: germline.
Comment: Variant summary: TMEM43 c.625T>G (p.Ser209Ala) results in a conservative amino acid change in the encoded protein sequence. Five of five in-silico tools predict a benign effect of the variant on protein function. The variant was absent in 251420 control chromosomes. The available data on variant occurrences in the general population are insufficient to allow any conclusion about variant significance. c.625T>G has been reported in the literature as a VUS in settings of multigene panel testing in at-least one individual reportedly affected with Cardiomyopathy (example, Walsh_2017). These report(s) do not provide unequivocal conclusions about association of the variant with Arrhythmogenic Right Ventricular Dysplasia/Cardiomyopathy. To our knowledge, no experimental evidence demonstrating an impact on protein function has been reported. One clinical diagnostic laboratory has submitted clinical-significance assessments for this variant to ClinVar after 2014 without evidence for independent evaluation and classified the variant as uncertain significance. Based on the evidence outlined above, the variant was classified as uncertain significance.

Fulgent Genetics
Classification: Uncertain significance for Arrhythmogenic right ventricular dysplasia 5; Emery-Dreifuss muscular dystrophy 7, autosomal dominant; Auditory neuropathy, autosomal dominant 3. Last evaluated: 2021-09-01. Review status: criteria provided, single submitter. Criteria: ACMG Guidelines, 2015. Collection method: clinical testing. Allele origin: unknown.

GeneDx
Classification: Uncertain significance. Last evaluated: 2016-07-06. Review status: criteria provided, single submitter. Criteria: GeneDx Variant Classification (06012015). Collection method: clinical testing. Allele origin: germline. Affected: yes.
Comment: A variant of uncertain significance has been identified in the TMEM43 gene. The S209A variant has been reported in a patient with dilated cardiomyopathy (DCM); however, this patient also harbored variants in other cardiomyopathy-related genes (Pugh et al., 2014). Furthermore, the S209A variant has been classified as a variant of uncertain significance by another clinical laboratory in ClinVar (SCV000063074.5; Landrum et al., 2016). The S209A variant was not observed in approximately 6,500 individuals of European and African American ancestry in the NHLBI Exome Sequencing Project, indicating it is not a common benign variant in these populations. The S209A variant is a non-conservative amino acid substitution, which is likely to impact secondary protein structure as these residues differ in polarity, charge, size and/or other properties. However, this substitution occurs at a position that is not conserved across species and in silico analysis predicts this variant likely does not alter the protein structure/function.Therefore, based on the currently available information, it is unclear whether this variant is pathogenic or rare benign.

Laboratory for Molecular Medicine, Mass General Brigham Personalized Medicine
Classification: Uncertain significance. Last evaluated: 2011-11-23. Review status: criteria provided, single submitter. Criteria: LMM Criteria. Collection method: clinical testing. Allele origin: germline. Observed: 1 variant allele.
Comment: Variant classified as Uncertain Significance - Favor Benign. Serine (Ser) at position 209 not conserved in mammals a nd some lower species, suggesting that a change may be tolerated. Computational tools (AlignGVGD, PolyPhen2, SIFT) also predict that a change to alanine (Ala) i s not likely to impact the protein, though their accuracy. Although this data su pports that the Ser209Ala variant may be likely benign, additional studies are n eeded to further assess its clinical significance.

Literature cited by the submitters: PubMed 24503780 (cited by Labcorp Genetics (formerly Invitae), Labcorp and All of Us Research Program, National Institutes of Health); PubMed 27532257 (cited by 3 submitters).

NM_024334.3(TMEM43):c.625T>G (p.Ser209Ala)

Gene: TMEM43 (transmembrane protein 43; plus strand). Cytogenetic location: 3p25.1.
Variant type: single nucleotide variant.
Coding change: c.625T>G on transcript NM_024334.3 (MANE Select); coding-DNA position 625, T replaced by G.
Protein change: p.Ser209Ala; replaces serine 209 with alanine.
Molecular consequence: missense variant.
Genome position (GRCh38, 1-based): chr3:14,134,811, T>G. VCF-style: chr3-14134811-T-G. GRCh37 (hg19) VCF-style: chr3-14176311-T-G.
Other names: short protein forms S209A.
Identifiers: ClinVar variation 46151 (VCV000046151.16), dbSNP rs397517386, ClinGen allele CA024722.
Genomic context (GRCh38, chr3:14,134,811, plus strand): 5'-ACCACTCTGGTCCCCTCAGGCCTCATCGACAAAGTCGACAACTTCAAGTCCCTGAGCCTA[T>G]CCAAGCTGGAGGACCCTCATGTGGACATCATTCGCCGTGGAGACTTTTTCTACCACAGCG-3'
Protein context (NP_077310.1, residues 199-219): KVDNFKSLSL[Ser209Ala]KLEDPHVDII